The following is an entry in ClinVar:

ClinVar aggregate classification (germline): Uncertain significance (1 of 4 stars; one submission).

Submission:

Labcorp Genetics (formerly Invitae), Labcorp
Classification: Uncertain significance. Last evaluated: 2025-03-16. Review status: criteria provided, single submitter. Criteria: Invitae Variant Classification Sherloc (09022015). Collection method: clinical testing. Allele origin: germline.
Comment: This sequence change replaces lysine, which is basic and polar, with arginine, which is basic and polar, at codon 837 of the PROM1 protein (p.Lys837Arg). This variant is not present in population databases (gnomAD no frequency). This variant has not been reported in the literature in individuals affected with PROM1-related conditions. An algorithm developed to predict the effect of missense changes on protein structure and function (PolyPhen-2) suggests that this variant is likely to be tolerated. In summary, the available evidence is currently insufficient to determine the role of this variant in disease. Therefore, it has been classified as a Variant of Uncertain Significance.

NM_006017.3(PROM1):c.2510A>G (p.Lys837Arg)

Gene: PROM1 (prominin 1; minus strand). Cytogenetic location: 4p15.32.
Variant type: single nucleotide variant.
Coding change: c.2510A>G on transcript NM_006017.3 (MANE Select); coding-DNA position 2510, A replaced by G.
Protein change: p.Lys837Arg; replaces lysine 837 with arginine.
Molecular consequence: missense variant. On other transcripts: non-coding transcript variant (2), intron variant (4).
Genome position (GRCh38, 1-based): chr4:15,979,884, T>C on the plus strand (A>G on the coding strand, the complement: PROM1 is on the minus strand). VCF-style: chr4-15979884-T-C. GRCh37 (hg19) VCF-style: chr4-15981507-T-C.
Other names: c.2483A>G, p.Lys828Arg (NM_001145847.2, NM_001145848.2, NM_001145851.2 and 1 more transcripts); c.2510A>G, p.Lys837Arg (NM_001145849.2); c.2480A>G, p.Lys827Arg (NM_001441173.1); c.2399A>G, p.Lys800Arg (NM_001441174.1); c.2390A>G, p.Lys797Arg (NM_001441175.1, NM_001441176.1); c.2378A>G, p.Lys793Arg (NM_001441177.1); c.2318A>G, p.Lys773Arg (NM_001441178.1); c.2144A>G, p.Lys715Arg (NM_001441179.1); and 2 more; short protein forms K715R, K773R, K793R, K797R, K800R, K827R, K828R, K837R.
Identifiers: ClinVar variation 4809281 (VCV004809281.1).
Genomic context (GRCh38, chr4:15,979,884, plus strand): 5'-AATAATATCAACCTCCCCCATCCCATCTAGGAATATAGTTTTTTTAAAAAGGCTTACTTT[T>C]TCATGGGTATAGTTTCAACACTATAAAATACAAAAAAGGGAGATAAAATTAATTTTTTTA-3'
Protein context (NP_006008.1, residues 827-847): VYDDVETIPM[Lys837Arg]NMENGNNGYH